The following is an entry in ClinVar:

ClinVar aggregate classification (germline): Benign. Review status: criteria provided, multiple submitters, no conflicts (2 of 4 stars). 7 submissions from 7 submitters: Benign (7). Last evaluated 2026-02-04.

Conditions:
Xanthinuria type II. Also called: Xanthine dehydrogenase and aldehyde oxidase combined deficiency of; XDH and AOX dual deficiency. Identifiers: Orphanet 3467, Orphanet 93602, MedGen C1863688, MONDO:0011346, OMIM 603592.
Hereditary xanthinuria type 1 (XAN1). Identifiers: Orphanet 3467, Orphanet 93601, MedGen C0268118, MONDO:0010209, OMIM 278300.

Allele frequency attached by ClinVar (database versions not stated): gnomAD 0.74590 and 0.74895; TOPMed 0.74849; 1000 Genomes Project 30x 0.76530; gnomAD exomes 0.76735 and 0.77319; 1000 Genomes Project 0.76837; ExAC 0.77612; ESP Exome Variant Server 0.74296.
gnomAD v4.1: 1,235,175 of 1,613,090 alleles (77%); highest among the groups gnomAD compares: East Asian, 85%; 473,636 homozygotes.

Submissions (8):

Labcorp Genetics (formerly Invitae), Labcorp
Classification: Benign for Xanthinuria type II. Last evaluated: 2026-02-04. Review status: criteria provided, single submitter. Criteria: Invitae Variant Classification Sherloc (09022015). Collection method: clinical testing. Allele origin: germline.

Blueprint Genetics
Classification: Benign. Last evaluated: 2024-11-26. Review status: criteria provided, single submitter. Criteria: ACMG Guidelines, 2015. Collection method: clinical testing. Allele origin: germline.

Genome-Nilou Lab
Classification: Benign for Hereditary xanthinuria type 1. Last evaluated: 2021-12-05. Review status: criteria provided, single submitter. Criteria: ACMG Guidelines, 2015. Collection method: clinical testing. Allele origin: germline. Affected: no.

GeneDx
Classification: Benign. Last evaluated: 2018-11-13. Review status: criteria provided, single submitter. Criteria: GeneDx Variant Classification Process June 2021. Collection method: clinical testing. Allele origin: germline. Affected: yes.

Illumina Laboratory Services, Illumina
Classification: Benign for Hereditary xanthinuria type 1. Last evaluated: 2018-01-13. Review status: criteria provided, single submitter. Criteria: ICSL Variant Classification Criteria 13 December 2019. Collection method: clinical testing. Allele origin: germline.
Comment: This variant was observed in the ICSL laboratory as part of a predisposition screen in an ostensibly healthy population. It had not been previously curated by ICSL or reported in the Human Gene Mutation Database (HGMD: prior to June 1st, 2018), and was therefore a candidate for classification through an automated scoring system. Utilizing variant allele frequency, disease prevalence and penetrance estimates, and inheritance mode, an automated score was calculated to assess if this variant is too frequent to cause the disease. Based on the score and internal cut-off values, a variant classified as benign is not then subjected to further curation. The score for this variant resulted in a classification of benign for this disease.

Breakthrough Genomics
Classification: Benign. Review status: criteria provided, single submitter. Criteria: ACMG Guidelines, 2015. Collection method: not provided. Allele origin: germline. Inheritance: Autosomal recessive inheritance. Affected: yes.

PreventionGenetics, part of Exact Sciences
Classification: Benign. Review status: criteria provided, single submitter. Criteria: ACMG Guidelines, 2015. Collection method: clinical testing. Allele origin: germline.

Dr. Peter K. Rogan Lab, Western University
No classification provided (evidence only). Condition: Hepatocellular carcinoma. Review status: no classification provided. Collection method: in vitro. Allele origin: not applicable. Functional consequence: retained intron. Not counted in ClinVar's aggregate classification.

NM_000379.4(XDH):c.3052-12C>G

Gene: XDH (xanthine dehydrogenase; minus strand). Cytogenetic location: 2p23.1.
Variant type: single nucleotide variant.
Coding change: c.3052-12C>G on transcript NM_000379.4 (MANE Select); 12 bases into the intron before coding-DNA position 3052, C replaced by G.
Molecular consequence: intron variant.
Genome position (GRCh38, 1-based): chr2:31,348,375, G>C on the plus strand (C>G on the coding strand, the complement: XDH is on the minus strand). VCF-style: chr2-31348375-G-C. GRCh37 (hg19) VCF-style: chr2-31571241-G-C.
Identifiers: ClinVar variation 255969 (VCV000255969.19), dbSNP rs13415401, ClinGen allele CA1598572.